The following is an entry in ClinVar:

ClinVar aggregate classification (germline): Uncertain significance. Review status: criteria provided, multiple submitters, no conflicts (2 of 4 stars). 2 submissions from 2 submitters: Uncertain significance (2). Last evaluated 2025-02-27.

Allele frequency attached by ClinVar (database versions not stated): ExAC 0.00003; gnomAD 0.00005; gnomAD exomes 0.00006; ESP Exome Variant Server 0.00015; TOPMed 0.00003.
gnomAD v4.1: 92 of 1,613,828 alleles (0.0057%); highest among the groups gnomAD compares: Non-Finnish European, 0.0074%; no homozygotes.

Submissions (2):

Labcorp Genetics (formerly Invitae), Labcorp
Classification: Uncertain significance. Last evaluated: 2025-02-27. Review status: criteria provided, single submitter. Criteria: Invitae Variant Classification Sherloc (09022015). Collection method: clinical testing. Allele origin: germline.
Comment: This sequence change replaces glutamic acid, which is acidic and polar, with aspartic acid, which is acidic and polar, at codon 604 of the ARHGEF1 protein (p.Glu604Asp). This variant is present in population databases (rs141918053, gnomAD 0.009%). This variant has not been reported in the literature in individuals affected with ARHGEF1-related conditions. ClinVar contains an entry for this variant (Variation ID: 2959886). An algorithm developed to predict the effect of missense changes on protein structure and function (PolyPhen-2) suggests that this variant is likely to be tolerated. In summary, the available evidence is currently insufficient to determine the role of this variant in disease. Therefore, it has been classified as a Variant of Uncertain Significance.

Ambry Genetics
Classification: Uncertain significance. Last evaluated: 2023-11-21. Review status: criteria provided, single submitter. Criteria: Ambry Variant Classification Scheme 2023. Collection method: clinical testing. Allele origin: germline.

NM_004706.4(ARHGEF1):c.1767G>C (p.Glu589Asp)

Gene: ARHGEF1 (Rho guanine nucleotide exchange factor 1; plus strand). Cytogenetic location: 19q13.2.
Variant type: single nucleotide variant.
Coding change: c.1767G>C on transcript NM_004706.4 (MANE Select); coding-DNA position 1767, G replaced by C.
Protein change: p.Glu589Asp; replaces glutamic acid 589 with aspartic acid.
Molecular consequence: missense variant. On other transcripts: non-coding transcript variant (2).
Genome position (GRCh38, 1-based): chr19:41,903,335, G>C. VCF-style: chr19-41903335-G-C. GRCh37 (hg19) VCF-style: chr19-42407485-G-C.
Other names: c.1935G>C, p.Glu645Asp (NM_001396000.1); c.1812G>C (NM_199002.1); c.1668G>C, p.Glu556Asp (NM_001396002.1, NM_001396004.1, NM_198977.2); c.1767G>C, p.Glu589Asp (NM_001396003.1, NM_001396006.1); c.1812G>C, p.Glu604Asp (NM_199002.2); short protein forms E589D, E604D, E556D, E645D.
Identifiers: ClinVar variation 2959886 (VCV002959886.4), dbSNP rs141918053, ClinGen allele CA9466476.
Genomic context (GRCh38, chr19:41,903,335, plus strand): 5'-TTCACCAGAGCTGCTCTCTCCCTTGCCTGCAGAAGAGCCCACAGAACGGGAGAAAGTGGA[G>C]CTGGCAGCCGAGTGCTGCCGGGAAATTCTACACCACGTCAACCAAGCCGTGCGTGACATG-3'
Protein context (NP_004697.2, residues 579-599): TEEPTEREKV[Glu589Asp]LAAECCREIL